The following is an entry in ClinVar:

NM_144573.4(NEXN):c.813_814insGG (p.Lys272fs)

Gene: NEXN (nexilin F-actin binding protein; plus strand). Cytogenetic location: 1p31.1.
Variant type: Insertion.
Coding change: c.813_814insGG on transcript NM_144573.4 (MANE Select); coding-DNA positions 813 to 814, GG inserted.
Protein change: p.Lys272fs; shifts the reading frame from lysine 272.
Molecular consequence: frameshift variant.
Genome position: GRCh38 VCF-style: chr1-77926841-A-AGG. GRCh37 (hg19) VCF-style: chr1-78392526-A-AGG.
Other names: c.621_622insGG, p.Lys208fs (NM_001172309.2); short protein forms K208fs, K272fs.
Identifiers: ClinVar variation 2949465 (VCV002949465.3), dbSNP rs2523208987, ClinGen allele CA2740090535.
Genomic context (GRCh38, chr1:77,926,841, plus strand): 5'-TGAAGAACTGGAGCGACAAAGACAAGAAAACCGAAAGAAGCAAGCTGAAGAGGAAGCAAG[A>AGG]AAACGTTTAGAAGAAGAGAAGCGTGCTTTTGAAGAAGCAAGGCGGCAAATGGTAAATCTA-3'

ClinVar aggregate classification (germline): Pathogenic (1 of 4 stars; one submission).

Conditions:
Dilated cardiomyopathy 1CC (CMD1CC). Identifiers: Orphanet 154, MedGen C2751084, MONDO:0013147, OMIM 613122.
Hypertrophic cardiomyopathy 20. Identifiers: MedGen C3151267, MONDO:0013477, OMIM 613876.

Submission:

Labcorp Genetics (formerly Invitae), Labcorp
Classification: Pathogenic for Dilated cardiomyopathy 1CC; Hypertrophic cardiomyopathy 20. Last evaluated: 2026-01-15. Review status: criteria provided, single submitter. Criteria: Invitae Variant Classification Sherloc (09022015). Collection method: clinical testing. Allele origin: germline.
Comment: This sequence change creates a premature translational stop signal (p.Lys272Glyfs*4) in the NEXN gene. It is expected to result in an absent or disrupted protein product. Loss-of-function variants in NEXN are known to be pathogenic (PMID: 19881492, 32058062, 32814711, 32870709, 33949776, 38059363, 40680702). This variant is not present in population databases (gnomAD no frequency). This variant has not been reported in the literature in individuals affected with NEXN-related conditions. ClinVar contains an entry for this variant (Variation ID: 2949465). For these reasons, this variant has been classified as Pathogenic.

Literature cited by the submitters: PubMed 19881492; PubMed 32058062; PubMed 32814711; PubMed 32870709; PubMed 33949776; PubMed 38059363; PubMed 40680702.